The following is an entry in ClinVar:

ClinVar aggregate classification (germline): Uncertain significance (1 of 4 stars; one submission).

Submission:

GeneDx
Classification: Uncertain significance. Last evaluated: 2025-01-30. Review status: criteria provided, single submitter. Criteria: GeneDx Variant Classification Process June 2021. Collection method: clinical testing. Allele origin: germline. Affected: yes.
Comment: Not observed at significant frequency in large population cohorts (gnomAD); In silico analysis indicates that this missense variant does not alter protein structure/function; Has not been previously published as pathogenic or benign to our knowledge

NM_001220.5(CAMK2B):c.112C>T (p.His38Tyr)

Gene: CAMK2B (calcium/calmodulin dependent protein kinase II beta; minus strand). Cytogenetic location: 7p13.
Variant type: single nucleotide variant.
Coding change: c.112C>T on transcript NM_001220.5 (MANE Select); coding-DNA position 112, C replaced by T.
Protein change: p.His38Tyr; replaces histidine 38 with tyrosine.
Molecular consequence: missense variant.
Genome position (GRCh38, 1-based): chr7:44,284,179, G>A on the plus strand (C>T on the coding strand, the complement: CAMK2B is on the minus strand). VCF-style: chr7-44284179-G-A. GRCh37 (hg19) VCF-style: chr7-44323778-G-A.
Other names: c.112C>T, p.His38Tyr (NM_001293170.2, NM_172078.3, NM_172079.3 and 5 more transcripts); short protein forms H38Y.
Identifiers: ClinVar variation 4072680 (VCV004072680.1).